The following is an entry in ClinVar:

ClinVar aggregate classification (germline): Uncertain significance (1 of 4 stars; one submission).

Conditions:
SCN1A-related disorder. Also called: SCN1A-related disorders; SCN1A-related conditions; SCN1A-related condition.

Submission:

3billion
Classification: Uncertain significance for SCN1A-related disorder. Last evaluated: 2026-01-27. Review status: criteria provided, single submitter. Criteria: ACMG Guidelines, 2015. Collection method: clinical testing. Allele origin: germline. Affected: yes.
Comment: The variant is not observed in the gnomAD v4.1.0 dataset. Predicted Consequence/Location: Missense variant In silico tool predictions suggest damaging effect of the variant on gene or gene product [REVEL: 0.78 (>=0.6, sensitivity 0.68 and specificity 0.92); 3Cnet: 0.99 (> 0.75, sensitivity 0.96 and precision 0.92)]. Different missense changes at the same codon have been reported as of uncertain significance (ClinVar ID: VCV002097482). Therefore, this variant is classified as VUS according to the recommendation of ACMG/AMP guideline.

NM_001165963.4(SCN1A):c.5449C>T (p.Pro1817Ser)

Genes: SCN1A (sodium voltage-gated channel alpha subunit 1; minus strand), LOC102724058 (uncharacterized LOC102724058; plus strand). Cytogenetic location: 2q24.3.
Variant type: single nucleotide variant.
Coding change: c.5449C>T on transcript NM_001165963.4 (MANE Select); coding-DNA position 5449, C replaced by T.
Protein change: p.Pro1817Ser; replaces proline 1817 with serine.
Molecular consequence: missense variant. On other transcripts: non-coding transcript variant (1).
Genome position (GRCh38, 1-based): chr2:165,991,826, G>A on the plus strand (C>T on the coding strand, the complement: SCN1A is on the minus strand). VCF-style: chr2-165991826-G-A. GRCh37 (hg19) VCF-style: chr2-166848336-G-A.
Other names: c.5416C>T, p.Pro1806Ser (NM_001353951.2, NM_001353952.2, NM_006920.6 and 2 more transcripts); c.5413C>T, p.Pro1805Ser (NM_001353954.2, NM_001353955.2); c.5365C>T, p.Pro1789Ser (NM_001353957.2, NM_001353958.2, NM_001165964.3); c.5362C>T, p.Pro1788Ser (NM_001353960.2); c.3007C>T, p.Pro1003Ser (NM_001353961.2); c.5449C>T, p.Pro1817Ser (NM_001202435.3, NM_001353948.2); short protein forms P1003S, P1788S, P1789S, P1805S, P1806S, P1817S.
Identifiers: ClinVar variation 4855359 (VCV004855359.1).